The following is an entry in ClinVar:

NM_001303052.2(MYT1L):c.2223G>A (p.Thr741=)

Gene: MYT1L (myelin transcription factor 1 like; minus strand). Cytogenetic location: 2p25.3.
Variant type: single nucleotide variant.
Coding change: c.2223G>A on transcript NM_001303052.2 (MANE Select); coding-DNA position 2223, G replaced by A.
Protein change: p.Thr741=; no amino-acid change (threonine 741 retained).
Molecular consequence: synonymous variant.
Genome position (GRCh38, 1-based): chr2:1,892,097, C>T on the plus strand (G>A on the coding strand, the complement: MYT1L is on the minus strand). VCF-style: chr2-1892097-C-T. GRCh37 (hg19) VCF-style: chr2-1895869-C-T.
Other names: c.2223G>A, p.Thr741= (NM_001329844.2, NM_001329845.1, NM_001329851.3); c.2217G>A, p.Thr739= (NM_001329846.3, NM_001329847.2, NM_001329848.1 and 3 more transcripts).
Identifiers: ClinVar variation 3350873 (VCV003350873.1).
Genomic context (GRCh38, chr2:1,892,097, plus strand): 5'-CCGCGTGGCGCACAGGTCCTGCGGCTTGGTGCTCAGGTTCTGCGGCATCTCGCGGCAGCG[C>T]GTGGACAGGTTGAGGATGGCGGTGGCCGCCATGTGGGCCGCCTCCATGTCGTGCGTGTAG-3'
Protein context (NP_001289981.1, residues 731-751): MAATAILNLS[Thr741=]RCREMPQNLS

ClinVar aggregate classification (germline): Likely benign (0 of 4 stars; one submission).

Conditions:
MYT1L-related disorder. Also called: MYT1L-related condition.

gnomAD v4.1: 3 of 1,544,568 alleles (0.00019%); highest among the groups gnomAD compares: African/African-American, 0.0041%; no homozygotes.

Submission:

PreventionGenetics, part of Exact Sciences
Classification: Likely benign for MYT1L-related condition. Last evaluated: 2019-07-25. Review status: no assertion criteria provided. Collection method: clinical testing. Allele origin: germline.
Comment: This variant is classified as likely benign based on ACMG/AMP sequence variant interpretation guidelines (Richards et al. 2015 PMID: 25741868, with internal and published modifications).